The following is an entry in ClinVar:

ClinVar aggregate classification (germline): Pathogenic. Review status: criteria provided, multiple submitters, no conflicts (2 of 4 stars). 5 submissions from 5 submitters: Pathogenic (4). 1 of the submissions does not count toward it. Last evaluated 2025-01-23.

Conditions:
Glycogen storage disease type III (GSD3). Also called: Cori disease; FORBES DISEASE. Identifiers: Orphanet 366, MedGen C0017922, MONDO:0009291, OMIM 232400.

Submissions (5):

Labcorp Genetics (formerly Invitae), Labcorp
Classification: Pathogenic for Glycogen storage disease type III. Last evaluated: 2025-01-23. Review status: criteria provided, single submitter. Criteria: Invitae Variant Classification Sherloc (09022015). Collection method: clinical testing. Allele origin: germline.
Comment: This sequence change creates a premature translational stop signal (p.Gly1442Lysfs*28) in the AGL gene. It is expected to result in an absent or disrupted protein product. Loss-of-function variants in AGL are known to be pathogenic (PMID: 19299494). This variant is present in population databases (no rsID available, gnomAD 0.0009%). This premature translational stop signal has been observed in individual(s) with glycogen storage disease III (PMID: 28888851, 31661040). This variant is also known as c.4323_4324insAA. ClinVar contains an entry for this variant (Variation ID: 371085). For these reasons, this variant has been classified as Pathogenic.

Women's Health and Genetics/Laboratory Corporation of America, LabCorp
Classification: Pathogenic for Glycogen storage disease type III. Last evaluated: 2022-09-19. Review status: criteria provided, single submitter. Criteria: LabCorp Variant Classification Summary - May 2015. Collection method: clinical testing. Allele origin: germline.
Comment: Variant summary: AGL c.4322_4323dupAA (p.Gly1442LysfsX28) results in a premature termination codon, predicted to cause a truncation of the encoded protein or absence of the protein due to nonsense mediated decay, which are commonly known mechanisms for disease. Truncations downstream of this position have been classified as pathogenic by our laboratory. The variant allele was found at a frequency of 4e-06 in 250644 control chromosomes (gnomAD). c.4322_4323dupAA has been reported in the literature in individuals affected with Glycogen Storage Disease Type III (examples: Laforet_2019 and Decostre_2017). These data indicate that the variant is likely to be associated with disease. Three clinical diagnostic laboratories have submitted clinical-significance assessments for this variant to ClinVar after 2014 and all classified the variant as pathogenic/likely pathogenic. Based on the evidence outlined above, the variant was classified as pathogenic.

Genome-Nilou Lab
Classification: Pathogenic for Glycogen storage disease type III. Last evaluated: 2021-07-15. Review status: criteria provided, single submitter. Criteria: ACMG Guidelines, 2015. Collection method: clinical testing. Allele origin: germline. Affected: no.

GeneDx
Classification: Pathogenic. Last evaluated: 2016-11-23. Review status: criteria provided, single submitter. Criteria: GeneDx Variant Classification (06012015). Collection method: clinical testing. Allele origin: germline. Affected: yes.
Comment: The c.4322_4323dupAA pathogenic variant in the AGL gene has been reported previously using alternate nomenclature (c.4323_4324insAA or c.4724insAA), either in the homozygous state or in combination with another AGL variant, in several individuals with a diagnosis of glycogen storage disease type III confirmed by enzyme analysis (Decostre et al., 2016; Lucchiari et al., 2002). The c.4322_4323dupAA variant causes a frameshift starting with codon Glycine 1442, changes this amino acid to a Lysine residue, and creates a premature Stop codon at position 28 of the new reading frame, denoted p.Gly1442LysfsX28. This variant is predicted to cause loss of normal protein function either through protein truncation or nonsense-mediated mRNA decay. The c.4322_4323dupAA variant was not observed in approximately 6,500 individuals of European and African American ancestry in the NHLBI Exome Sequencing Project, indicating it is not a common benign variant in these populations. We interpret c.4322_4323dupAA as a pathogenic variant.

Counsyl
Classification: Likely pathogenic for Glycogen storage disease type III. Last evaluated: 2016-06-23. Review status: no assertion criteria provided. Collection method: clinical testing. Allele origin: unknown. Not counted in ClinVar's aggregate classification.

Literature cited by the submitters: PubMed 19299494 (cited by Labcorp Genetics (formerly Invitae), Labcorp); PubMed 28888851 (cited by Labcorp Genetics (formerly Invitae), Labcorp and Women's Health and Genetics/Laboratory Corporation of America, LabCorp); PubMed 31661040 (cited by Labcorp Genetics (formerly Invitae), Labcorp and Women's Health and Genetics/Laboratory Corporation of America, LabCorp); PubMed 11977176 (cited by Counsyl).

NM_000642.3(AGL):c.4322_4323dup (p.Gly1442fs)

Gene: AGL (amylo-alpha-1,6-glucosidase and 4-alpha-glucanotransferase; plus strand). Cytogenetic location: 1p21.2.
Variant type: Duplication.
Coding change: c.4322_4323dup on transcript NM_000642.3 (MANE Select); coding-DNA positions 4322 to 4323, 2 bases duplicated (AA; older notation c.4322_4323dupAA).
Protein change: p.Gly1442fs; shifts the reading frame from glycine 1442.
Molecular consequence: frameshift variant.
Genome position (GRCh38, 1-based): chr1:99,916,472-99,916,473, AA duplicated; duplicating any 2 consecutive bases within chr1:99,916,471-99,916,473 gives the same sequence; the c. name uses the placement nearest the transcript's 3' end. VCF-style (leftmost placement, unchanged base first): chr1-99916470-T-TAA. GRCh37 (hg19) VCF-style: chr1-100382026-T-TAA.
Other names: c.4322_4323dup, p.Gly1442Lysfs (NM_000028.3, NM_000643.3, NM_000644.3 and 1 more transcripts); c.4274_4275dup, p.Gly1426Lysfs (NM_000646.3); c.4301_4302dup, p.Gly1435Lysfs (NM_001425326.1); c.4121_4122dup, p.Gly1375Lysfs (NM_001425327.1); c.4118_4119dup, p.Gly1374Lysfs (NM_001425328.1); c.3983_3984dup, p.Gly1329Lysfs (NM_001425329.1); c.3944_3945dup, p.Gly1316Lysfs (NM_001425332.1); short protein forms G1426fs, G1442fs.
Identifiers: ClinVar variation 371085 (VCV000371085.8), dbSNP rs1057516994, ClinGen allele CA16040848.
Genomic context (GRCh38, chr1:99,916,470, plus strand): 5'-TGATATGGTTTACTGTGGAATTTATGACAATGCATTAGACAATGACAACTACAATCTTGC[T>TAA]AAAGGTTTCAATTATCACCAAGGACCTGTAAGAATTTCATTTATCTTCTGAGTTTCAGTT-3'